The following is an entry in ClinVar:

ClinVar aggregate classification (germline): Uncertain significance (1 of 4 stars; one submission).

Conditions:
Inborn genetic diseases. Identifiers: MedGen C0950123, MeSH D030342.

Allele frequency attached by ClinVar (database versions not stated): TOPMed below 0.00001; ExAC 0.00001; gnomAD 0.00001.

Submission:

Ambry Genetics
Classification: Uncertain significance for Inborn genetic diseases. Last evaluated: 2021-04-20. Review status: criteria provided, single submitter. Criteria: Ambry Variant Classification Scheme 2023. Collection method: clinical testing. Allele origin: germline.
Comment: The c.4069C>T (p.P1357S) alteration is located in exon 24 (coding exon 24) of the CNTNAP1 gene. This alteration results from a C to T substitution at nucleotide position 4069, causing the proline (P) at amino acid position 1357 to be replaced by a serine (S). The p.P1357S alteration is predicted to be tolerated by in silico analysis. Based on insufficient or conflicting evidence, the clinical significance of this alteration remains unclear.

NM_003632.3(CNTNAP1):c.4069C>T (p.Pro1357Ser)

Genes: CNTNAP1 (contactin associated protein 1; plus strand), LOC128669077 (EZH1 +46 kb erythroid enhancer; plus strand). Cytogenetic location: 17q21.2.
Variant type: single nucleotide variant.
Coding change: c.4069C>T on transcript NM_003632.3 (MANE Select); coding-DNA position 4069, C replaced by T.
Protein change: p.Pro1357Ser; replaces proline 1357 with serine.
Molecular consequence: missense variant.
Genome position (GRCh38, 1-based): chr17:42,698,824, C>T. VCF-style: chr17-42698824-C-T. GRCh37 (hg19) VCF-style: chr17-40850842-C-T.
Other names: short protein forms P1357S.
Identifiers: ClinVar variation 2215920 (VCV002215920.2), dbSNP rs781030048, ClinGen allele CA8582529.